The following is an entry in ClinVar:

ClinVar aggregate classification (germline): Benign. Review status: criteria provided, multiple submitters, no conflicts (2 of 4 stars). 4 submissions from 4 submitters: Benign (3). 1 of the submissions does not count toward it. Last evaluated 2019-03-29.

Conditions:
Isovaleryl-CoA dehydrogenase deficiency (IVA). Also called: ISOVALERIC ACID CoA DEHYDROGENASE DEFICIENCY; IVD DEFICIENCY; Isovaleric acidemia; Classic Isovaleric Acidemia. Identifiers: Orphanet 33, MedGen C0268575, MONDO:0009475, OMIM 243500.

Allele frequency attached by ClinVar (database versions not stated): gnomAD 0.02520 and 0.02693; TOPMed 0.02818; 1000 Genomes Project 0.02995; 1000 Genomes Project 30x 0.03357.

Submissions (4):

GeneDx
Classification: Benign. Last evaluated: 2019-03-29. Review status: criteria provided, single submitter. Criteria: GeneDx Variant Classification Process June 2021. Collection method: clinical testing. Allele origin: germline. Affected: yes.

Illumina Laboratory Services, Illumina
Classification: Benign for Isovaleryl-CoA dehydrogenase deficiency. Last evaluated: 2018-01-13. Review status: criteria provided, single submitter. Criteria: ICSL Variant Classification Criteria 13 December 2019. Collection method: clinical testing. Allele origin: germline.
Comment: This variant was observed in the ICSL laboratory as part of a predisposition screen in an ostensibly healthy population. It had not been previously curated by ICSL or reported in the Human Gene Mutation Database (HGMD: prior to June 1st, 2018), and was therefore a candidate for classification through an automated scoring system. Utilizing variant allele frequency, disease prevalence and penetrance estimates, and inheritance mode, an automated score was calculated to assess if this variant is too frequent to cause the disease. Based on the score and internal cut-off values, a variant classified as benign is not then subjected to further curation. The score for this variant resulted in a classification of benign for this disease.

Breakthrough Genomics
Classification: Benign. Review status: criteria provided, single submitter. Criteria: ACMG Guidelines, 2015. Collection method: not provided. Allele origin: germline. Inheritance: Autosomal recessive inheritance. Affected: yes.

Natera, Inc.
Classification: Benign for Isovaleryl-coa dehydrogenase deficiency. Last evaluated: 2018-04-13. Review status: no assertion criteria provided. Collection method: clinical testing. Allele origin: germline. Not counted in ClinVar's aggregate classification.

NM_002225.5(IVD):c.*195C>T

Gene: IVD (isovaleryl-CoA dehydrogenase; plus strand). Cytogenetic location: 15q15.1.
Variant type: single nucleotide variant.
Coding change: c.*195C>T on transcript NM_002225.5 (MANE Select); 195 bases downstream of the stop codon, C replaced by T.
Molecular consequence: 3 prime UTR variant. On other transcripts: intron variant (3).
Genome position (GRCh38, 1-based): chr15:40,418,458, C>T. VCF-style: chr15-40418458-C-T. GRCh37 (hg19) VCF-style: chr15-40710657-C-T.
Other names: c.*195C>T (NM_001159508.3, NM_001354597.3, NM_001354599.3); c.1225+2096C>T (NM_001354600.3); c.1138+2096C>T (NM_001354598.3, NM_001354601.3).
Identifiers: ClinVar variation 315805 (VCV000315805.11), dbSNP rs77680513, ClinGen allele CA10645827.